The following is an entry in ClinVar:

ClinVar aggregate classification (germline): Uncertain significance. Review status: criteria provided, multiple submitters, no conflicts (2 of 4 stars). 2 submissions from 2 submitters: Uncertain significance (2). Last evaluated 2022-07-15.

Allele frequency attached by ClinVar (database versions not stated): ExAC 0.00001; gnomAD 0.00001; TOPMed 0.00001; gnomAD exomes 0.00003.
gnomAD v4.1: 44 of 1,614,086 alleles (0.0027%); highest among the groups gnomAD compares: Non-Finnish European, 0.0036%; no homozygotes.

Submissions (2):

Labcorp Genetics (formerly Invitae), Labcorp
Classification: Uncertain significance. Last evaluated: 2022-07-15. Review status: criteria provided, single submitter. Criteria: Invitae Variant Classification Sherloc (09022015). Collection method: clinical testing. Allele origin: germline.
Comment: This variant has not been reported in the literature in individuals affected with DHX32-related conditions. In summary, the available evidence is currently insufficient to determine the role of this variant in disease. Therefore, it has been classified as a Variant of Uncertain Significance. Algorithms developed to predict the effect of missense changes on protein structure and function are either unavailable or do not agree on the potential impact of this missense change (SIFT: "Deleterious"; PolyPhen-2: "Probably Damaging"; Align-GVGD: "Class C0"). This variant is present in population databases (rs747711569, gnomAD 0.004%). This sequence change replaces tyrosine, which is neutral and polar, with cysteine, which is neutral and slightly polar, at codon 53 of the DHX32 protein (p.Tyr53Cys).

Ambry Genetics
Classification: Uncertain significance. Last evaluated: 2021-07-20. Review status: criteria provided, single submitter. Criteria: Ambry Variant Classification Scheme 2023. Collection method: clinical testing. Allele origin: germline.

NM_018180.3(DHX32):c.158A>G (p.Tyr53Cys)

Gene: DHX32 (DEAH-box helicase 32 (putative); minus strand). Cytogenetic location: 10q26.2.
Variant type: single nucleotide variant.
Coding change: c.158A>G on transcript NM_018180.3 (MANE Select); coding-DNA position 158, A replaced by G.
Protein change: p.Tyr53Cys; replaces tyrosine 53 with cysteine.
Molecular consequence: missense variant.
Genome position (GRCh38, 1-based): chr10:125,880,667, T>C on the plus strand (A>G on the coding strand, the complement: DHX32 is on the minus strand). VCF-style: chr10-125880667-T-C. GRCh37 (hg19) VCF-style: chr10-127569236-T-C.
Other names: short protein forms Y53C.
Identifiers: ClinVar variation 1962282 (VCV001962282.6), dbSNP rs747711569, ClinGen allele CA5739518.